The following is an entry in ClinVar:

ClinVar aggregate classification (germline): Pathogenic (1 of 4 stars; one submission).

Conditions:
Congenital sideroblastic anemia-B-cell immunodeficiency-periodic fever-developmental delay syndrome. Also called: Sideroblastic anemia with B-cell immunodeficiency, periodic fevers, and developmental delay. Identifiers: Orphanet 369861, MedGen C4015172, MONDO:0014487, OMIM 616084.

Submission:

Labcorp Genetics (formerly Invitae), Labcorp
Classification: Pathogenic for Congenital sideroblastic anemia-B-cell immunodeficiency-periodic fever-developmental delay syndrome. Last evaluated: 2025-12-15. Review status: criteria provided, single submitter. Criteria: Invitae Variant Classification Sherloc (09022015). Collection method: clinical testing. Allele origin: germline.
Comment: This sequence change creates a premature translational stop signal (p.Ser339delinsArg*) in the TRNT1 gene. While this is not anticipated to result in nonsense mediated decay, it is expected to disrupt the last 96 amino acid(s) of the TRNT1 protein. This variant is not present in population databases (gnomAD no frequency). This variant has not been reported in the literature in individuals affected with TRNT1-related conditions. ClinVar contains an entry for this variant (Variation ID: 2067995). Algorithms developed to predict the effect of sequence changes on RNA splicing suggest that this variant may disrupt the consensus splice site. This variant disrupts a region of the TRNT1 protein in which other variant(s) (p.Ser418Lysfs*9) have been determined to be pathogenic (PMID: 25193871, 29358286). This suggests that this is a clinically significant region of the protein, and that variants that disrupt it are likely to be disease-causing. For these reasons, this variant has been classified as Pathogenic.

Literature cited by the submitters: PubMed 25193871; PubMed 29358286.

NM_182916.3(TRNT1):c.1013_1016dup (p.Ser339delinsArgTer)

Gene: TRNT1 (tRNA nucleotidyl transferase 1; plus strand). Cytogenetic location: 3p26.2.
Variant type: Duplication.
Coding change: c.1013_1016dup on transcript NM_182916.3 (MANE Select); coding-DNA positions 1013 to 1016, 4 bases duplicated (ATAG; older notation c.1013_1016dupATAG).
Protein change: p.Ser339delinsArgTer.
Molecular consequence: nonsense. On other transcripts: non-coding transcript variant (8).
Genome position (GRCh38, 1-based): chr3:3,147,660-3,147,663, ATAG duplicated; duplicating any 4 consecutive bases within chr3:3,147,658-3,147,663 gives the same sequence; the c. name uses the placement nearest the transcript's 3' end. VCF-style (leftmost placement, unchanged base first): chr3-3147657-C-CAGAT. GRCh37 (hg19) VCF-style: chr3-3189341-C-CAGAT.
Other names: c.953_956dup, p.Ser319delinsArgTer (NM_001302946.2); c.1013_1016dup, p.Ser339delinsArgTer (NM_001367321.1, NM_001367322.1, NM_001367323.1).
Identifiers: ClinVar variation 2067995 (VCV002067995.4), dbSNP rs1559231280, ClinGen allele CA916822310.
Genomic context (GRCh38, chr3:3,147,657, plus strand): 5'-AAGAGGAGAAAAACCTTGGCTTATTTATAGTTAAAAATAGGAAAGATTTAATTAAAGCAA[C>CAGAT]AGATAGTTCAGACCCATTGAAACCCTATCAAGACTTCATTATAGATGTAAGTATATACTA-3'